The following is an entry in ClinVar:

ClinVar aggregate classification (germline): Conflicting classifications of pathogenicity. Review status: criteria provided, conflicting classifications (1 of 4 stars). 5 submissions from 5 submitters: Uncertain significance (3); Likely benign (2). Last evaluated 2025-11-21.

Conditions:
Cardiomyopathy (CMYO). Also called: Cardiomyopathies. Identifiers: Orphanet 167848, MedGen C0878544, MONDO:0004994, HP:0001638. Inheritance: Various modes of inheritance.
Cardiovascular phenotype. Identifiers: MedGen CN230736.
Catecholaminergic polymorphic ventricular tachycardia (CVPT). Also called: Catecholamine-induced polymorphic ventricular tachycardia. Identifiers: Orphanet 3286, MedGen C5574922, MONDO:0017990.
Catecholaminergic polymorphic ventricular tachycardia 1. Also called: RYR2-Related Catecholaminergic Polymorphic Ventricular Tachycardia; VENTRICULAR TACHYCARDIA, CATECHOLAMINERGIC POLYMORPHIC, 1, WITH OR WITHOUT ATRIAL DYSFUNCTION AND/OR DILATED CARDIOMYOPATHY; VENTRICULAR TACHYCARDIA, STRESS-INDUCED POLYMORPHIC 1. Identifiers: Orphanet 3286, MedGen C1631597, MONDO:0011484, OMIM 604772.

Allele frequency attached by ClinVar (database versions not stated): gnomAD exomes 0.00001 and 0.00003; ExAC 0.00004; ESP Exome Variant Server 0.00008; gnomAD 0.00011; TOPMed 0.00012.
gnomAD v4.1: 27 of 1,613,824 alleles (0.0017%); highest among the groups gnomAD compares: African/African-American, 0.032%; no homozygotes.

Submissions (5):

Labcorp Genetics (formerly Invitae), Labcorp
Classification: Likely benign for Catecholaminergic polymorphic ventricular tachycardia 1. Last evaluated: 2025-11-21. Review status: criteria provided, single submitter. Criteria: Invitae Variant Classification Sherloc (09022015). Collection method: clinical testing. Allele origin: germline.

Ambry Genetics
Classification: Uncertain significance for Cardiovascular phenotype. Last evaluated: 2024-07-25. Review status: criteria provided, single submitter. Criteria: Ambry Variant Classification Scheme 2023. Collection method: clinical testing. Allele origin: germline.
Comment: The p.T1366A variant (also known as c.4096A>G), located in coding exon 31 of the RYR2 gene, results from an A to G substitution at nucleotide position 4096. The threonine at codon 1366 is replaced by alanine, an amino acid with similar properties. This amino acid position is not well conserved in available vertebrate species. In addition, this alteration is predicted to be tolerated by in silico analysis. Based on the available evidence, the clinical significance of this variant remains unclear.

Color Diagnostics, LLC DBA Color Health
Classification: Likely benign for Cardiomyopathy. Last evaluated: 2024-07-17. Review status: criteria provided, single submitter. Criteria: ACMG Guidelines, 2015. Collection method: clinical testing. Allele origin: germline.

GeneDx
Classification: Uncertain significance. Last evaluated: 2024-01-30. Review status: criteria provided, single submitter. Criteria: GeneDx Variant Classification Process June 2021. Collection method: clinical testing. Allele origin: germline. Affected: yes.
Comment: Has not been previously published as pathogenic or benign to our knowledge; In silico analysis supports that this missense variant does not alter protein structure/function; This variant is associated with the following publications: (PMID: 19926015)

All of Us Research Program, National Institutes of Health
Classification: Uncertain significance for Catecholaminergic polymorphic ventricular tachycardia. Last evaluated: 2024-01-03. Review status: criteria provided, single submitter. Criteria: ACMG Guidelines, 2015. Collection method: clinical testing. Allele origin: germline. Inheritance: Autosomal dominant inheritance. Observed: 5 variant alleles, 5 heterozygotes.
Comment: This missense variant replaces threonine with alanine at codon 1366 of the RYR2 protein. Computational prediction suggests that this variant may not impact protein structure and function (internally defined REVEL score threshold <= 0.5, PMID: 27666373). Splice site prediction tools suggest that this variant may not impact RNA splicing. To our knowledge, functional studies have not been performed for this variant. This variant has not been reported in individuals affected with cardiovascular disorders in the literature. This variant has been identified in 9/279484 chromosomes in the general population by the Genome Aggregation Database (gnomAD). The available evidence is insufficient to determine the role of this variant in disease conclusively. Therefore, this variant is classified as a Variant of Uncertain Significance.

This study involves interpretation of variants in research participants for the purpose of population health screening. Participant phenotype was not available at the time of variant classification. Additional details can be found in publication PMID: 35346344, PMCID: PMC8962531

NM_001035.3(RYR2):c.4096A>G (p.Thr1366Ala)

Genes: RYR2 (ryanodine receptor 2; plus strand), LOC126806067 (BRD4-independent group 4 enhancer GRCh37_chr1:237753258-237754457; plus strand). Cytogenetic location: 1q43.
Variant type: single nucleotide variant.
Coding change: c.4096A>G on transcript NM_001035.3 (MANE Select); coding-DNA position 4096, A replaced by G.
Protein change: p.Thr1366Ala; replaces threonine 1366 with alanine.
Molecular consequence: missense variant.
Genome position (GRCh38, 1-based): chr1:237,590,928, A>G. VCF-style: chr1-237590928-A-G. GRCh37 (hg19) VCF-style: chr1-237754228-A-G.
Other names: p.T1366A:ACT>GCT; c.4096A>G, p.Thr1366Ala (LRG_402t1); short protein forms T1366A.
Identifiers: ClinVar variation 201170 (VCV000201170.22), dbSNP rs369982130, ClinGen allele CA009456.
Genomic context (GRCh38, chr1:237,590,928, plus strand): 5'-CTGATGAAGACAGCTCATGGCCATCTAGTGCCCGATCGTGTTGACAAAGACAAAGAAGCT[A>G]CTAAACCAGAGTTTAACAACCACAAAGATTATGCCCAGGAAAAGCCCTCTCGTCTGAAAC-3'
Protein context (NP_001026.2, residues 1356-1376): PDRVDKDKEA[Thr1366Ala]KPEFNNHKDY